The following is an entry in ClinVar:

ClinVar aggregate classification (germline): Uncertain significance (1 of 4 stars; one submission).

Conditions:
Candidiasis, familial, 9 (CANDF9). Identifiers: Orphanet 1334, MedGen C4225324, MONDO:0014642, OMIM 616445.

Submission:

Labcorp Genetics (formerly Invitae), Labcorp
Classification: Uncertain significance for Candidiasis, familial, 9. Last evaluated: 2025-01-29. Review status: criteria provided, single submitter. Criteria: Invitae Variant Classification Sherloc (09022015). Collection method: clinical testing. Allele origin: germline.
Comment: This sequence change creates a premature translational stop signal (p.Gln693*) in the IL17RC gene. While this is not anticipated to result in nonsense mediated decay, it is expected to disrupt the last 99 amino acid(s) of the IL17RC protein. This variant is not present in population databases (gnomAD no frequency). This variant has not been reported in the literature in individuals affected with IL17RC-related conditions. ClinVar contains an entry for this variant (Variation ID: 1486082). In summary, the available evidence is currently insufficient to determine the role of this variant in disease. Therefore, it has been classified as a Variant of Uncertain Significance.

NM_153460.4(IL17RC):c.1864C>T (p.Gln622Ter)

Gene: IL17RC (interleukin 17 receptor C; plus strand). Cytogenetic location: 3p25.3.
Variant type: single nucleotide variant.
Coding change: c.1864C>T on transcript NM_153460.4 (MANE Select); coding-DNA position 1864, C replaced by T.
Protein change: p.Gln622Ter; replaces glutamine 622 with a stop codon.
Molecular consequence: nonsense. On other transcripts: non-coding transcript variant (1).
Genome position (GRCh38, 1-based): chr3:9,933,294, C>T. VCF-style: chr3-9933294-C-T. GRCh37 (hg19) VCF-style: chr3-9974978-C-T.
Other names: c.1825C>T, p.Gln609Ter (NM_001203263.2); c.1774C>T, p.Gln592Ter (NM_001203264.2); c.1768C>T, p.Gln590Ter (NM_001203265.2); c.1786C>T, p.Gln596Ter (NM_001367278.1); c.1705C>T, p.Gln569Ter (NM_001367279.1); c.1780C>T, p.Gln594Ter (NM_001367280.1); c.1819C>T, p.Gln607Ter (NM_032732.6); c.2077C>T, p.Gln693Ter (NM_153461.4); short protein forms Q590*, Q596*, Q609*, Q592*, Q594*, Q693*, Q569*, Q622*.
Identifiers: ClinVar variation 1486082 (VCV001486082.5), dbSNP rs1290220086, ClinGen allele CA351707880.